The following is an entry in ClinVar:

NM_020987.5(ANK3):c.1361A>G (p.His454Arg)

Gene: ANK3 (ankyrin 3; minus strand). Cytogenetic location: 10q21.2.
Variant type: single nucleotide variant.
Coding change: c.1361A>G on transcript NM_020987.5 (MANE Select); coding-DNA position 1361, A replaced by G.
Protein change: p.His454Arg; replaces histidine 454 with arginine.
Molecular consequence: missense variant.
Genome position (GRCh38, 1-based): chr10:60,203,033, T>C on the plus strand (A>G on the coding strand, the complement: ANK3 is on the minus strand). VCF-style: chr10-60203033-T-C. GRCh37 (hg19) VCF-style: chr10-61962791-T-C.
Other names: c.1343A>G, p.His448Arg (NM_001204403.2); c.1310A>G, p.His437Arg (NM_001204404.2); c.1361A>G, p.His454Arg (NM_001320874.2); short protein forms H437R, H448R, H454R.
Identifiers: ClinVar variation 930815 (VCV000930815.3), dbSNP rs774827889, ClinGen allele CA5513161.

ClinVar aggregate classification (germline): Uncertain significance (1 of 4 stars; one submission).

Conditions:
Intellectual developmental disorder, autosomal recessive 37. Also called: Intellectual disability-hypotonia-spasticity-sleep disorder syndrome. Identifiers: Orphanet 356996, MedGen C3809672, MONDO:0014210, OMIM 615493.

Allele frequency attached by ClinVar (database versions not stated): TOPMed 0.00001; ExAC 0.00002; gnomAD exomes 0.00001.
gnomAD v4.1: 9 of 1,613,000 alleles (0.00056%); highest among the groups gnomAD compares: Admixed American, 0.0017%; no homozygotes.

Submission:

Centre for Mendelian Genomics, University Medical Centre Ljubljana
Classification: Uncertain significance for Intellectual developmental disorder, autosomal recessive 37. Last evaluated: 2019-12-24. Review status: criteria provided, single submitter. Criteria: ACMG Guidelines, 2015. Collection method: clinical testing. Allele origin: unknown. Affected: yes.
Comment: This variant was classified as: Uncertain significance. The available evidence on this variant's pathogenicity is insufficient or conflicting. The following ACMG criteria were applied in classifying this variant: PM2,PP3,BP1.